The following is an entry in ClinVar:

ClinVar aggregate classification (germline): Uncertain significance (1 of 4 stars; one submission).

Conditions:
Cryopyrin associated periodic syndrome (CAPS). Identifiers: Orphanet 208650, MedGen C2316212, MONDO:0016168.

gnomAD v4.1: 7 of 1,614,092 alleles (0.00043%); highest among the groups gnomAD compares: Admixed American, 0.0067%; no homozygotes.

Submission:

Labcorp Genetics (formerly Invitae), Labcorp
Classification: Uncertain significance for Cryopyrin associated periodic syndrome. Last evaluated: 2025-06-18. Review status: criteria provided, single submitter. Criteria: Invitae Variant Classification Sherloc (09022015). Collection method: clinical testing. Allele origin: germline.
Comment: This sequence change replaces alanine, which is neutral and non-polar, with serine, which is neutral and polar, at codon 873 of the NLRP3 protein (p.Ala873Ser). This variant is present in population databases (rs201867582, gnomAD 0.009%). This variant has not been reported in the literature in individuals affected with NLRP3-related conditions. Invitae Evidence Modeling of protein sequence and biophysical properties (such as structural, functional, and spatial information, amino acid conservation, physicochemical variation, residue mobility, and thermodynamic stability) indicates that this missense variant is not expected to disrupt NLRP3 protein function with a negative predictive value of 95%. In summary, the available evidence is currently insufficient to determine the role of this variant in disease. Therefore, it has been classified as a Variant of Uncertain Significance.

NM_001243133.2(NLRP3):c.2611G>T (p.Ala871Ser)

Gene: NLRP3 (NLR family pyrin domain containing 3; plus strand). Cytogenetic location: 1q44.
Variant type: single nucleotide variant.
Coding change: c.2611G>T on transcript NM_001243133.2 (MANE Select); coding-DNA position 2611, G replaced by T.
Protein change: p.Ala871Ser; replaces alanine 871 with serine.
Molecular consequence: missense variant. On other transcripts: intron variant (2).
Genome position (GRCh38, 1-based): chr1:247,436,088, G>T. VCF-style: chr1-247436088-G-T. GRCh37 (hg19) VCF-style: chr1-247599390-G-T.
Other names: c.2611G>T, p.Ala871Ser (NM_001079821.3); c.2440G>T, p.Ala814Ser (NM_001127462.3); c.2617G>T, p.Ala873Ser (NM_004895.5); c.2492+1815G>T (NM_001127461.3); c.2321+1815G>T (NM_183395.3); short protein forms A814S, A873S, A871S.
Identifiers: ClinVar variation 4691363 (VCV004691363.1).